The following is an entry in ClinVar:

NM_001134363.3(RBM20):c.1619T>G (p.Leu540Arg)

Gene: RBM20 (RNA binding motif protein 20; plus strand). Cytogenetic location: 10q25.2.
Variant type: single nucleotide variant.
Coding change: c.1619T>G on transcript NM_001134363.3 (MANE Select); coding-DNA position 1619, T replaced by G.
Protein change: p.Leu540Arg; replaces leucine 540 with arginine.
Molecular consequence: missense variant.
Genome position (GRCh38, 1-based): chr10:110,797,599, T>G. VCF-style: chr10-110797599-T-G. GRCh37 (hg19) VCF-style: chr10-112557357-T-G.
Other names: short protein forms L540R.
Identifiers: ClinVar variation 4802652 (VCV004802652.1).

ClinVar aggregate classification (germline): Uncertain significance (1 of 4 stars; one submission).

Conditions:
Dilated cardiomyopathy 1DD (CMD1DD). Identifiers: Orphanet 154, MedGen C2750995, MONDO:0013168, OMIM 613172.

Submission:

Labcorp Genetics (formerly Invitae), Labcorp
Classification: Uncertain significance for Dilated cardiomyopathy 1DD. Last evaluated: 2025-12-09. Review status: criteria provided, single submitter. Criteria: Invitae Variant Classification Sherloc (09022015). Collection method: clinical testing. Allele origin: germline.
Comment: This sequence change replaces leucine, which is neutral and non-polar, with arginine, which is basic and polar, at codon 540 of the RBM20 protein (p.Leu540Arg). This variant is not present in population databases (gnomAD no frequency). This variant has not been reported in the literature in individuals affected with RBM20-related conditions. Invitae Evidence Modeling of protein sequence and biophysical properties (such as structural, functional, and spatial information, amino acid conservation, physicochemical variation, residue mobility, and thermodynamic stability) indicates that this missense variant is not expected to disrupt RBM20 protein function with a negative predictive value of 95%. In summary, the available evidence is currently insufficient to determine the role of this variant in disease. Therefore, it has been classified as a Variant of Uncertain Significance.